The following is an entry in ClinVar:

ClinVar aggregate classification (germline): Uncertain significance. Review status: criteria provided, multiple submitters, no conflicts (2 of 4 stars). 2 submissions from 2 submitters: Uncertain significance (2). Last evaluated 2022-03-31.

Conditions:
Alstrom syndrome (ALMS). Identifiers: Orphanet 64, MedGen C0268425, MONDO:0008763, OMIM 203800.

Allele frequency attached by ClinVar (database versions not stated): gnomAD exomes below 0.00001 and 0.00001; gnomAD 0.00001; TOPMed 0.00001.
gnomAD v4.1: 6 of 1,613,962 alleles (0.00037%); highest among the groups gnomAD compares: Non-Finnish European, 0.00051%; no homozygotes.

Submissions (2):

GeneDx
Classification: Uncertain significance. Last evaluated: 2022-03-31. Review status: criteria provided, single submitter. Criteria: GeneDx Variant Classification Process June 2021. Collection method: clinical testing. Allele origin: germline. Affected: yes.
Comment: Not observed at significant frequency in large population cohorts (gnomAD); In silico analysis supports that this missense variant does not alter protein structure/function; Has not been previously published as pathogenic or benign to our knowledge

Labcorp Genetics (formerly Invitae), Labcorp
Classification: Uncertain significance for Alstrom syndrome. Last evaluated: 2022-01-03. Review status: criteria provided, single submitter. Criteria: Invitae Variant Classification Sherloc (09022015). Collection method: clinical testing. Allele origin: germline.
Comment: This sequence change replaces lysine, which is basic and polar, with asparagine, which is neutral and polar, at codon 1597 of the ALMS1 protein (p.Lys1597Asn). This variant is present in population databases (no rsID available, gnomAD 0.002%). This variant has not been reported in the literature in individuals affected with ALMS1-related conditions. Experimental studies and prediction algorithms are not available or were not evaluated, and the functional significance of this variant is currently unknown. In summary, the available evidence is currently insufficient to determine the role of this variant in disease. Therefore, it has been classified as a Variant of Uncertain Significance.

NM_001378454.1(ALMS1):c.4788A>C (p.Lys1596Asn)

Gene: ALMS1 (ALMS1 centrosome and basal body associated protein; plus strand). Cytogenetic location: 2p13.1.
Variant type: single nucleotide variant.
Coding change: c.4788A>C on transcript NM_001378454.1 (MANE Select); coding-DNA position 4788, A replaced by C.
Protein change: p.Lys1596Asn; replaces lysine 1596 with asparagine.
Molecular consequence: missense variant.
Genome position (GRCh38, 1-based): chr2:73,451,315, A>C. VCF-style: chr2-73451315-A-C. GRCh37 (hg19) VCF-style: chr2-73678442-A-C.
Other names: c.4791A>C, p.Lys1597Asn (NM_015120.4); short protein forms K1597N, K1596N.
Identifiers: ClinVar variation 1372721 (VCV001372721.6), dbSNP rs925686650, ClinGen allele CA50395935.